The following is an entry in ClinVar:

ClinVar aggregate classification (germline): Uncertain significance. Review status: criteria provided, multiple submitters, no conflicts (2 of 4 stars). 2 submissions from 2 submitters: Uncertain significance (2). Last evaluated 2026-06-14.

Conditions:
KCNK3-related disorder. Also called: KCNK3-related condition.

gnomAD v4.1: 4 of 1,561,880 alleles (0.00026%); highest among the groups gnomAD compares: Non-Finnish European, 0.00035%; no homozygotes.

Submissions (2):

PreventionGenetics, part of Exact Sciences
Classification: Uncertain significance for KCNK3-related condition. Last evaluated: 2026-06-14. Review status: criteria provided, single submitter. Criteria: ACMG Guidelines, 2015. Collection method: clinical testing. Allele origin: germline.
Comment: The KCNK3 c.830G>A variant is predicted to result in the amino acid substitution p.Gly277Asp. To our knowledge, this variant has not been reported in the literature or in a large population database (gnomAD), indicating this variant is rare. At this time, the clinical significance of this variant is uncertain due to the absence of conclusive functional and genetic evidence.

GeneDx
Classification: Uncertain significance. Last evaluated: 2025-03-13. Review status: criteria provided, single submitter. Criteria: GeneDx Variant Classification Process June 2021. Collection method: clinical testing. Allele origin: germline. Affected: yes.
Comment: Not observed at significant frequency in large population cohorts (gnomAD); In silico analysis indicates that this missense variant does not alter protein structure/function; Has not been previously published as pathogenic or benign to our knowledge

NM_002246.3(KCNK3):c.830G>A (p.Gly277Asp)

Gene: KCNK3 (potassium two pore domain channel subfamily K member 3; plus strand). Cytogenetic location: 2p23.3.
Variant type: single nucleotide variant.
Coding change: c.830G>A on transcript NM_002246.3 (MANE Select); coding-DNA position 830, G replaced by A.
Protein change: p.Gly277Asp; replaces glycine 277 with aspartic acid.
Molecular consequence: missense variant.
Genome position (GRCh38, 1-based): chr2:26,728,213, G>A. VCF-style: chr2-26728213-G-A. GRCh37 (hg19) VCF-style: chr2-26951081-G-A.
Other names: short protein forms G277D.
Identifiers: ClinVar variation 4083102 (VCV004083102.2).